The following is an entry in ClinVar:

ClinVar aggregate classification (germline): Pathogenic (1 of 4 stars; one submission).

Conditions:
Epilepsy, familial focal, with variable foci 3 (FFEVF3). Identifiers: MedGen C4310708, MONDO:0014925, OMIM 617118.

Submission:

Labcorp Genetics (formerly Invitae), Labcorp
Classification: Pathogenic for Epilepsy, familial focal, with variable foci 3. Last evaluated: 2021-07-08. Review status: criteria provided, single submitter. Criteria: Invitae Variant Classification Sherloc (09022015). Collection method: clinical testing. Allele origin: germline.
Comment: This sequence change creates a premature translational stop signal (p.Leu490Alafs*5) in the NPRL3 gene. It is expected to result in an absent or disrupted protein product. Loss-of-function variants in NPRL3 are known to be pathogenic (PMID: 26285051, 26505888). This variant is present in population databases (rs57321480, ExAC 0.003%). This variant has not been reported in the literature in individuals affected with NPRL3-related conditions. For these reasons, this variant has been classified as Pathogenic.

Literature cited by the submitters: PubMed 26285051; PubMed 26505888.

NM_001077350.3(NPRL3):c.1466_1467dup (p.Leu490fs)

Genes: HBA-LCR (alpha-globin locus control region; plus strand), NPRL3 (NPR3 like, GATOR1 complex subunit; minus strand). Cytogenetic location: 16p13.3.
Variant type: Duplication.
Coding change: c.1466_1467dup on transcript NM_001077350.3 (MANE Select); coding-DNA positions 1466 to 1467, 2 bases duplicated (GC; older notation c.1466_1467dupGC).
Protein change: p.Leu490fs; shifts the reading frame from leucine 490.
Molecular consequence: frameshift variant.
Genome position (GRCh38, 1-based): chr16:88,775-88,776, GC duplicated on the plus strand (GC on the coding strand, the reverse complement: NPRL3 is on the minus strand). VCF-style (leftmost placement, unchanged base first): chr16-88774-G-GGC. GRCh37 (hg19) VCF-style: chr16-138772-A-AGC.
Other names: c.929_930dup, p.Leu311fs (NM_001039476.3); c.1232_1233dup, p.Leu412fs (NM_001243247.2); c.1391_1392dup, p.Leu465fs (NM_001243248.2, NM_001243249.2); short protein forms L490fs, L311fs, L465fs, L412fs.
Identifiers: ClinVar variation 3700236 (VCV003700236.2).
Genomic context (GRCh38, chr16:88,774, plus strand): 5'-GGTCCTCAGGGTTCTGGGCTGCGGGTACACTGAGGATGGCTGCGCGTTCATGCTCCGACA[G>GGC]GCTGGCCAGCAGGTTCTCCGTCATCCTCTGGTTCAGTGGCGAGTCCCCGCTGGGAAGTAG-3'